The following is an entry in ClinVar:

ClinVar aggregate classification (germline): Uncertain significance (1 of 4 stars; one submission).

Conditions:
Generalized epilepsy with febrile seizures plus, type 9 (GEFSP9). Also called: GEFS+, TYPE 9. Identifiers: Orphanet 36387, MedGen C4015395, MONDO:0014517, OMIM 616172.

Allele frequency attached by ClinVar (database versions not stated): TOPMed 0.00001; ExAC 0.00003; gnomAD 0.00003; gnomAD exomes 0.00004.
gnomAD v4.1: 25 of 1,613,260 alleles (0.0015%); highest among the groups gnomAD compares: East Asian, 0.011%; no homozygotes.

Submission:

Labcorp Genetics (formerly Invitae), Labcorp
Classification: Uncertain significance for Generalized epilepsy with febrile seizures plus, type 9. Last evaluated: 2025-11-09. Review status: criteria provided, single submitter. Criteria: Invitae Variant Classification Sherloc (09022015). Collection method: clinical testing. Allele origin: germline.
Comment: This sequence change replaces valine, which is neutral and non-polar, with methionine, which is neutral and non-polar, at codon 23 of the STX1B protein (p.Val23Met). This variant is present in population databases (rs769729036, gnomAD 0.02%). This variant has not been reported in the literature in individuals affected with STX1B-related conditions. ClinVar contains an entry for this variant (Variation ID: 933466). An algorithm developed to predict the effect of missense changes on protein structure and function (PolyPhen-2) suggests that this variant is likely to be tolerated. In summary, the available evidence is currently insufficient to determine the role of this variant in disease. Therefore, it has been classified as a Variant of Uncertain Significance.

NM_052874.5(STX1B):c.67G>A (p.Val23Met)

Gene: STX1B (syntaxin 1B; minus strand). Cytogenetic location: 16p11.2.
Variant type: single nucleotide variant.
Coding change: c.67G>A on transcript NM_052874.5 (MANE Select); coding-DNA position 67, G replaced by A.
Protein change: p.Val23Met; replaces valine 23 with methionine.
Molecular consequence: missense variant.
Genome position (GRCh38, 1-based): chr16:31,001,567, C>T on the plus strand (G>A on the coding strand, the complement: STX1B is on the minus strand). VCF-style: chr16-31001567-C-T. GRCh37 (hg19) VCF-style: chr16-31012888-C-T.
Other names: short protein forms V23M.
Identifiers: ClinVar variation 933466 (VCV000933466.7), dbSNP rs769729036, ClinGen allele CA8018514.